The following is an entry in ClinVar:

ClinVar aggregate classification (germline): Likely benign. Review status: criteria provided, multiple submitters, no conflicts (2 of 4 stars). 2 submissions from 2 submitters: Likely benign (2). Last evaluated 2025-05-23.

Conditions:
CREBBP-related disorder. Also called: CREBBP-related condition; CREBBP-related disorders.
Rubinstein-Taybi syndrome (RSTS). Identifiers: Orphanet 783, MedGen C0035934, MONDO:0019188.

Allele frequency attached by ClinVar (database versions not stated): ExAC 0.00001; gnomAD 0.00001; TOPMed 0.00001.
gnomAD v4.1: 17 of 1,614,016 alleles (0.0011%); highest among the groups gnomAD compares: East Asian, 0.0022%; no homozygotes.

Submissions (2):

PreventionGenetics, part of Exact Sciences
Classification: Likely benign for CREBBP-related condition. Last evaluated: 2025-05-23. Review status: criteria provided, single submitter. Criteria: ACMG Guidelines, 2015. Collection method: clinical testing. Allele origin: germline.
Comment: This variant is classified as likely benign based on ACMG/AMP sequence variant interpretation guidelines (Richards et al. 2015 PMID: 25741868, with internal and published modifications).

Labcorp Genetics (formerly Invitae), Labcorp
Classification: Likely benign for Rubinstein-Taybi syndrome. Last evaluated: 2024-08-24. Review status: criteria provided, single submitter. Criteria: Invitae Variant Classification Sherloc (09022015). Collection method: clinical testing. Allele origin: germline.

NM_004380.3(CREBBP):c.4062C>T (p.Ala1354=)

Gene: CREBBP (CREB binding lysine acetyltransferase; minus strand). Cytogenetic location: 16p13.3.
Variant type: single nucleotide variant.
Coding change: c.4062C>T on transcript NM_004380.3 (MANE Select); coding-DNA position 4062, C replaced by T.
Protein change: p.Ala1354=; no amino-acid change (alanine 1354 retained).
Molecular consequence: synonymous variant.
Genome position (GRCh38, 1-based): chr16:3,740,470, G>A on the plus strand (C>T on the coding strand, the complement: CREBBP is on the minus strand). VCF-style: chr16-3740470-G-A. GRCh37 (hg19) VCF-style: chr16-3790471-G-A.
Other names: c.4062C>T (NM_004380.2); c.3948C>T, p.Ala1316= (NM_001079846.1).
Identifiers: ClinVar variation 3017113 (VCV003017113.4), dbSNP rs758900612, ClinGen allele CA7869627.